The following is an entry in ClinVar:

NM_014629.4(ARHGEF10):c.1075+4C>T

Gene: ARHGEF10 (Rho guanine nucleotide exchange factor 10; plus strand). Cytogenetic location: 8p23.3.
Variant type: single nucleotide variant.
Coding change: c.1075+4C>T on transcript NM_014629.4 (MANE Select); 4 bases into the intron after coding-DNA position 1075, C replaced by T.
Molecular consequence: intron variant.
Genome position (GRCh38, 1-based): chr8:1,882,753, C>T. VCF-style: chr8-1882753-C-T. GRCh37 (hg19) VCF-style: chr8-1830919-C-T.
Other names: c.961+4C>T (NM_001438092.1, NM_001308152.2, NM_001438094.1); c.1078+4C>T (NM_001438091.1, NM_001308153.3); c.958+4C>T (NM_001438093.1).
Identifiers: ClinVar variation 2851779 (VCV002851779.3), dbSNP rs1221631724, ClinGen allele CA1109639699.

ClinVar aggregate classification (germline): Uncertain significance (1 of 4 stars; one submission).

Allele frequency attached by ClinVar (database versions not stated): gnomAD 0.00001.
gnomAD v4.1: 12 of 1,422,336 alleles (0.00084%); highest among the groups gnomAD compares: Middle Eastern, 0.019%; no homozygotes.

Submission:

Labcorp Genetics (formerly Invitae), Labcorp
Classification: Uncertain significance. Last evaluated: 2026-01-06. Review status: criteria provided, single submitter. Criteria: Invitae Variant Classification Sherloc (09022015). Collection method: clinical testing. Allele origin: germline.
Comment: This sequence change falls in intron 10 of the ARHGEF10 gene. It does not directly change the encoded amino acid sequence of the ARHGEF10 protein. It affects a nucleotide within the consensus splice site. This variant is not present in population databases (gnomAD no frequency). This variant has not been reported in the literature in individuals affected with ARHGEF10-related conditions. ClinVar contains an entry for this variant (Variation ID: 2851779). Variants that disrupt the consensus splice site are a relatively common cause of aberrant splicing (PMID: 17576681, 9536098). Algorithms developed to predict the effect of sequence changes on RNA splicing suggest that this variant is not likely to affect RNA splicing. In summary, the available evidence is currently insufficient to determine the role of this variant in disease. Therefore, it has been classified as a Variant of Uncertain Significance.

Literature cited by the submitters: PubMed 17576681; PubMed 9536098.